The following is an entry in ClinVar:

ClinVar aggregate classification (germline): Likely benign. Review status: criteria provided, multiple submitters, no conflicts (2 of 4 stars). 5 submissions from 5 submitters: Likely benign (4). 1 of the submissions does not count toward it. Last evaluated 2025-12-23.

Conditions:
NF2-related disorder. Also called: NF2-related condition.
Hereditary cancer-predisposing syndrome. Also called: Hereditary neoplastic syndrome; Tumor predisposition; Neoplastic Syndromes, Hereditary; Hereditary Cancer Syndrome. Identifiers: Orphanet 140162, MedGen C0027672, MeSH D009386, MONDO:0015356.
Neurofibromatosis, type 2 (SWNV). Also called: SCHWANNOMATOSIS, VESTIBULAR; NF2-Related Schwannomatosis; BILATERAL ACOUSTIC NEUROFIBROMATOSIS. Identifiers: Orphanet 637, MedGen C0027832, MONDO:0007039, OMIM 101000. Disease mechanism: loss of function.

Allele frequency attached by ClinVar (database versions not stated): gnomAD exomes 0.00002 and 0.00003; TOPMed 0.00002; ExAC 0.00004; gnomAD 0.00004; ESP Exome Variant Server 0.00008.
gnomAD v4.1: 40 of 1,613,588 alleles (0.0025%); highest among the groups gnomAD compares: African/African-American, 0.008%; no homozygotes.

Submissions (5):

Labcorp Genetics (formerly Invitae), Labcorp
Classification: Likely benign for Neurofibromatosis, type 2. Last evaluated: 2025-12-23. Review status: criteria provided, single submitter. Criteria: Invitae Variant Classification Sherloc (09022015). Collection method: clinical testing. Allele origin: germline.

Color Diagnostics, LLC DBA Color Health
Classification: Likely benign for Neurofibromatosis, type 2. Last evaluated: 2023-07-07. Review status: criteria provided, single submitter. Criteria: ACMG Guidelines, 2015. Collection method: clinical testing. Allele origin: germline.

Blueprint Genetics
Classification: Likely benign. Last evaluated: 2022-08-18. Review status: criteria provided, single submitter. Criteria: ACMG Guidelines, 2015. Collection method: clinical testing. Allele origin: germline.

Ambry Genetics
Classification: Likely benign for Hereditary cancer-predisposing syndrome. Last evaluated: 2018-11-30. Review status: criteria provided, single submitter. Criteria: Ambry Variant Classification Scheme 2023. Collection method: clinical testing. Allele origin: germline.

PreventionGenetics, part of Exact Sciences
Classification: Likely benign for NF2-related condition. Last evaluated: 2021-10-27. Review status: no assertion criteria provided. Collection method: clinical testing. Allele origin: germline. Not counted in ClinVar's aggregate classification.
Comment: This variant is classified as likely benign based on ACMG/AMP sequence variant interpretation guidelines (Richards et al. 2015 PMID: 25741868, with internal and published modifications).

NM_000268.4(NF2):c.459C>T (p.Tyr153=)

Gene: NF2 (NF2, moesin-ezrin-radixin like (MERLIN) tumor suppressor; plus strand). Cytogenetic location: 22q12.2.
Variant type: single nucleotide variant.
Coding change: c.459C>T on transcript NM_000268.4 (MANE Select); coding-DNA position 459, C replaced by T.
Protein change: p.Tyr153=; no amino-acid change (tyrosine 153 retained).
Molecular consequence: synonymous variant. On other transcripts: non-coding transcript variant (1), intron variant (1).
Genome position (GRCh38, 1-based): chr22:29,654,668, C>T. VCF-style: chr22-29654668-C-T. GRCh37 (hg19) VCF-style: chr22-30050657-C-T.
Other names: c.459C>T, p.Tyr153= (NM_016418.5, NM_181825.3, NM_181832.3); c.333C>T, p.Tyr111= (NM_181828.3); c.336C>T, p.Tyr112= (NM_181829.3); c.210C>T, p.Tyr70= (NM_181830.3, NM_181831.3); c.447+12383C>T (NM_181833.3); c.459C>T (NM_181832.2).
Identifiers: ClinVar variation 527716 (VCV000527716.19), dbSNP rs142972020, ClinGen allele CA033549.
Genomic context (GRCh38, chr22:29,654,668, plus strand): 5'-CAGTTATCTTTAGAATCTCAATCGCCTGCTCTCCCTTTCTTCTTTCCAGTATGGTGACTA[C>T]GACCCCAGTGTTCACAAGCGGGGATTTTTGGCCCAAGAGGAATTGCTTCCAAAAAGGGTA-3'
Protein context (NP_000259.1, residues 143-163): SYAVQAKYGD[Tyr153=]DPSVHKRGFL